The following is an entry in ClinVar:

NM_001377334.1(PIK3C2B):c.1422+4C>T

Gene: PIK3C2B (phosphatidylinositol-4-phosphate 3-kinase catalytic subunit type 2 beta; minus strand). Cytogenetic location: 1q32.1.
Variant type: single nucleotide variant.
Coding change: c.1422+4C>T on transcript NM_001377334.1 (MANE Select); 4 bases into the intron after coding-DNA position 1422, C replaced by T.
Molecular consequence: intron variant.
Genome position (GRCh38, 1-based): chr1:204,460,546, G>A on the plus strand (C>T on the coding strand, the complement: PIK3C2B is on the minus strand). VCF-style: chr1-204460546-G-A. GRCh37 (hg19) VCF-style: chr1-204429674-G-A.
Other names: c.1422+4C>T (NM_001377335.1, NM_002646.4).
Identifiers: ClinVar variation 3050719 (VCV003050719.2), dbSNP rs373022234, ClinGen allele CA1348005.

ClinVar aggregate classification (germline): Likely benign (0 of 4 stars; one submission).

Conditions:
PIK3C2B-related disorder. Also called: PIK3C2B-related condition.

Allele frequency attached by ClinVar (database versions not stated): ExAC 0.00002; ESP Exome Variant Server 0.00008.
gnomAD v4.1: 19 of 1,611,292 alleles (0.0012%); highest among the groups gnomAD compares: African/African-American, 0.0067%; no homozygotes.

Submission:

PreventionGenetics, part of Exact Sciences
Classification: Likely benign for PIK3C2B-related condition. Last evaluated: 2019-07-19. Review status: no assertion criteria provided. Collection method: clinical testing. Allele origin: germline.
Comment: This variant is classified as likely benign based on ACMG/AMP sequence variant interpretation guidelines (Richards et al. 2015 PMID: 25741868, with internal and published modifications).